The following is an entry in ClinVar:

NM_000428.3(LTBP2):c.5179G>C (p.Ala1727Pro)

Gene: LTBP2 (latent transforming growth factor beta binding protein 2; minus strand). Cytogenetic location: 14q24.3.
Variant type: single nucleotide variant.
Coding change: c.5179G>C on transcript NM_000428.3 (MANE Select); coding-DNA position 5179, G replaced by C.
Protein change: p.Ala1727Pro; replaces alanine 1727 with proline.
Molecular consequence: missense variant.
Genome position (GRCh38, 1-based): chr14:74,501,582, C>G on the plus strand (G>C on the coding strand, the complement: LTBP2 is on the minus strand). VCF-style: chr14-74501582-C-G. GRCh37 (hg19) VCF-style: chr14-74968285-C-G.
Other names: short protein forms A1727P.
Identifiers: ClinVar variation 1904252 (VCV001904252.5), dbSNP rs377616549, ClinGen allele CA263577818.

ClinVar aggregate classification (germline): Uncertain significance (1 of 4 stars; one submission).

Allele frequency attached by ClinVar (database versions not stated): gnomAD 0.00001; 1000 Genomes Project 30x 0.00016; 1000 Genomes Project 0.00020.
gnomAD v4.1: 1 of 1,614,032 alleles (0.000062%); highest among the groups gnomAD compares: East Asian, 0.0022%; no homozygotes.

Submission:

Labcorp Genetics (formerly Invitae), Labcorp
Classification: Uncertain significance. Last evaluated: 2022-05-21. Review status: criteria provided, single submitter. Criteria: Invitae Variant Classification Sherloc (09022015). Collection method: clinical testing. Allele origin: germline.
Comment: This sequence change replaces alanine, which is neutral and non-polar, with proline, which is neutral and non-polar, at codon 1727 of the LTBP2 protein (p.Ala1727Pro). This variant is not present in population databases (gnomAD no frequency). This variant has not been reported in the literature in individuals affected with LTBP2-related conditions. Algorithms developed to predict the effect of missense changes on protein structure and function (SIFT, PolyPhen-2, Align-GVGD) all suggest that this variant is likely to be disruptive. In summary, the available evidence is currently insufficient to determine the role of this variant in disease. Therefore, it has been classified as a Variant of Uncertain Significance.